The following is an entry in ClinVar:

NM_001656.4(TRIM23):c.461C>T (p.Thr154Ile)

Gene: TRIM23 (tripartite motif containing 23; minus strand). Cytogenetic location: 5q12.3.
Variant type: single nucleotide variant.
Coding change: c.461C>T on transcript NM_001656.4 (MANE Select); coding-DNA position 461, C replaced by T.
Protein change: p.Thr154Ile; replaces threonine 154 with isoleucine.
Molecular consequence: missense variant.
Genome position (GRCh38, 1-based): chr5:65,611,787, G>A on the plus strand (C>T on the coding strand, the complement: TRIM23 is on the minus strand). VCF-style: chr5-65611787-G-A. GRCh37 (hg19) VCF-style: chr5-64907614-G-A.
Other names: c.461C>T, p.Thr154Ile (NM_033227.3, NM_033228.3); short protein forms T154I.
Identifiers: ClinVar variation 3354990 (VCV003354990.1).

ClinVar aggregate classification (germline): Uncertain significance (0 of 4 stars; one submission).

Conditions:
TRIM23-related disorder. Also called: TRIM23-related condition.

Submission:

PreventionGenetics, part of Exact Sciences
Classification: Uncertain significance for TRIM23-related condition. Last evaluated: 2024-08-27. Review status: no assertion criteria provided. Collection method: clinical testing. Allele origin: germline.
Comment: The TRIM23 c.461C>T variant is predicted to result in the amino acid substitution p.Thr154Ile. To our knowledge, this variant has not been reported in the literature or in gnomAD, indicating this variant is rare. At this time, the clinical significance of this variant is uncertain due to the absence of conclusive functional and genetic evidence.